The following is an entry in ClinVar:

NM_014915.3(ANKRD26):c.290C>G (p.Thr97Ser)

Gene: ANKRD26 (ankyrin repeat domain containing 26; minus strand). Cytogenetic location: 10p12.1.
Variant type: single nucleotide variant.
Coding change: c.290C>G on transcript NM_014915.3 (MANE Select); coding-DNA position 290, C replaced by G.
Protein change: p.Thr97Ser; replaces threonine 97 with serine.
Molecular consequence: missense variant.
Genome position (GRCh38, 1-based): chr10:27,093,752, G>C on the plus strand (C>G on the coding strand, the complement: ANKRD26 is on the minus strand). VCF-style: chr10-27093752-G-C. GRCh37 (hg19) VCF-style: chr10-27382681-G-C.
Other names: c.290C>G, p.Thr97Ser (NM_001256053.2); short protein forms T97S.
Identifiers: ClinVar variation 3913895 (VCV003913895.1).

ClinVar aggregate classification (germline): Uncertain significance (1 of 4 stars; one submission).

Conditions:
Inborn genetic diseases. Identifiers: MedGen C0950123, MeSH D030342.

Submission:

Ambry Genetics
Classification: Uncertain significance for Inborn genetic diseases. Last evaluated: 2025-04-28. Review status: criteria provided, single submitter. Criteria: Ambry Variant Classification Scheme 2023. Collection method: clinical testing. Allele origin: germline.
Comment: The p.T97S variant (also known as c.290C>G), located in coding exon 2 of the ANKRD26 gene, results from a C to G substitution at nucleotide position 290. The threonine at codon 97 is replaced by serine, an amino acid with similar properties. This amino acid position is conserved. In addition, this alteration is predicted to be tolerated by in silico analysis. Based on the available evidence, the clinical significance of this variant remains unclear.